The following is an entry in ClinVar:

NM_182961.4(SYNE1):c.11191G>A (p.Val3731Met)

Gene: SYNE1 (spectrin repeat containing nuclear envelope protein 1; minus strand). Cytogenetic location: 6q25.2.
Variant type: single nucleotide variant.
Coding change: c.11191G>A on transcript NM_182961.4 (MANE Select); coding-DNA position 11191, G replaced by A.
Protein change: p.Val3731Met; replaces valine 3731 with methionine.
Molecular consequence: missense variant.
Genome position (GRCh38, 1-based): chr6:152,353,325, C>T on the plus strand (G>A on the coding strand, the complement: SYNE1 is on the minus strand). VCF-style: chr6-152353325-C-T. GRCh37 (hg19) VCF-style: chr6-152674460-C-T.
Other names: c.11146G>A, p.Val3716Met (NM_033071.5); short protein forms V3716M, V3731M.
Identifiers: ClinVar variation 4788572 (VCV004788572.1).

ClinVar aggregate classification (germline): Uncertain significance (1 of 4 stars; one submission).

Conditions:
Autosomal recessive ataxia, Beauce type. Also called: SYNE1-Related Autosomal Recessive Cerebellar Ataxia; Spinocerebellar ataxia, autosomal recessive 8; ATAXIA, RECESSIVE, OF BEAUCE; SYNE1 Deficiency. Identifiers: Orphanet 88644, MedGen C1853116, MONDO:0012549, OMIM 610743.
Emery-Dreifuss muscular dystrophy 4, autosomal dominant (EDMD4). Also called: EMERY-DREIFUSS MUSCULAR DYSTROPHY 4 WITH VARIABLE FEATURES. Identifiers: Orphanet 261, MedGen C2751807, MONDO:0013071, OMIM 612998.

gnomAD v4.1: 1 of 1,614,186 alleles (0.000062%); highest among the groups gnomAD compares: Non-Finnish European, 0.000085%; no homozygotes.

Submission:

Labcorp Genetics (formerly Invitae), Labcorp
Classification: Uncertain significance for Emery-Dreifuss muscular dystrophy 4, autosomal dominant; Autosomal recessive ataxia, Beauce type. Last evaluated: 2025-02-10. Review status: criteria provided, single submitter. Criteria: Invitae Variant Classification Sherloc (09022015). Collection method: clinical testing. Allele origin: germline.
Comment: This sequence change replaces valine, which is neutral and non-polar, with methionine, which is neutral and non-polar, at codon 3716 of the SYNE1 protein (p.Val3716Met). This variant is present in population databases (rs200577602, gnomAD 0.007%). This variant has not been reported in the literature in individuals affected with SYNE1-related conditions. An algorithm developed to predict the effect of missense changes on protein structure and function (PolyPhen-2) suggests that this variant is likely to be disruptive. In summary, the available evidence is currently insufficient to determine the role of this variant in disease. Therefore, it has been classified as a Variant of Uncertain Significance.